The following is an entry in ClinVar:

ClinVar aggregate classification (germline): Uncertain significance (1 of 4 stars; one submission).

Conditions:
Oligodontia-cancer predisposition syndrome. Also called: TOOTH AGENESIS-COLORECTAL CANCER SYNDROME. Identifiers: Orphanet 300576, MedGen C1837750, MONDO:0012075, OMIM 608615. Disease mechanism: loss of function.

Submission:

Labcorp Genetics (formerly Invitae), Labcorp
Classification: Uncertain significance for Oligodontia-cancer predisposition syndrome. Last evaluated: 2025-03-03. Review status: criteria provided, single submitter. Criteria: Invitae Variant Classification Sherloc (09022015). Collection method: clinical testing. Allele origin: germline.
Comment: This sequence change replaces leucine, which is neutral and non-polar, with glutamine, which is neutral and polar, at codon 411 of the AXIN2 protein (p.Leu411Gln). Information on the frequency of this variant in the gnomAD database is not available, as this variant may be reported differently in the database. This variant has not been reported in the literature in individuals affected with AXIN2-related conditions. An algorithm developed to predict the effect of missense changes on protein structure and function (PolyPhen-2) suggests that this variant is likely to be tolerated. In summary, the available evidence is currently insufficient to determine the role of this variant in disease. Therefore, it has been classified as a Variant of Uncertain Significance.

NM_004655.4(AXIN2):c.1232_1233delinsAA (p.Leu411Gln)

Gene: AXIN2 (axin 2; minus strand). Cytogenetic location: 17q24.1.
Variant type: Indel.
Coding change: c.1232_1233delinsAA on transcript NM_004655.4 (MANE Select); coding-DNA positions 1232 to 1233, TC replaced by AA.
Protein change: p.Leu411Gln; replaces leucine 411 with glutamine.
Molecular consequence: missense variant.
Genome position (GRCh38, 1-based): chr17:65,537,803-65,537,804, GA replaced by TT on the plus strand (TC replaced by AA on the coding strand, the reverse complement: AXIN2 is on the minus strand). VCF-style: chr17-65537803-GA-TT. GRCh37 (hg19) VCF-style: chr17-63533921-GA-TT.
Other names: c.1232_1233delinsAA, p.Leu411Gln (NM_001363813.1); short protein forms L411Q.
Identifiers: ClinVar variation 4739885 (VCV004739885.1).